The following is an entry in ClinVar:

NM_001292063.2(OTOG):c.7722C>A (p.Pro2574=)

Gene: OTOG (otogelin; plus strand). Cytogenetic location: 11p15.1.
Variant type: single nucleotide variant.
Coding change: c.7722C>A on transcript NM_001292063.2 (MANE Select); coding-DNA position 7722, C replaced by A.
Protein change: p.Pro2574=; no amino-acid change (proline 2574 retained).
Molecular consequence: synonymous variant.
Genome position (GRCh38, 1-based): chr11:17,635,638, C>A. VCF-style: chr11-17635638-C-A. GRCh37 (hg19) VCF-style: chr11-17657185-C-A.
Other names: c.7758C>A, p.Pro2586= (NM_001277269.2).
Identifiers: ClinVar variation 517630 (VCV000517630.5), dbSNP rs1260956852, ClinGen allele CA473310972.

ClinVar aggregate classification (germline): Likely benign (1 of 4 stars; one submission).

gnomAD v4.1: 1 of 1,550,410 alleles (0.000064%); highest among the groups gnomAD compares: Middle Eastern, 0.017%; no homozygotes.

Submission:

Laboratory for Molecular Medicine, Mass General Brigham Personalized Medicine
Classification: Likely benign. Last evaluated: 2017-11-15. Review status: criteria provided, single submitter. Criteria: LMM Criteria. Collection method: clinical testing. Allele origin: germline. Observed: 1 variant allele.
Comment: p.Pro2586Pro in exon 46 of OTOG: This variant is not expected to have clinical s ignificance because it does not alter an amino acid residue, it is not located w ithin the splice consensus sequence, and it is not predicted to impact splicing. It has been identified in 1/14980 European chromosomes by the Genome Aggregatio n Database (gnomAD). ACMG/AMP Criteria applied : BP4, BP7.